The following is an entry in ClinVar:

NM_012238.5(SIRT1):c.1916-9G>T

Gene: SIRT1 (sirtuin 1; plus strand). Cytogenetic location: 10q21.3.
Variant type: single nucleotide variant.
Coding change: c.1916-9G>T on transcript NM_012238.5 (MANE Select); 9 bases into the intron before coding-DNA position 1916, G replaced by T.
Molecular consequence: intron variant.
Genome position (GRCh38, 1-based): chr10:67,916,256, G>T. VCF-style: chr10-67916256-G-T. GRCh37 (hg19) VCF-style: chr10-69676013-G-T.
Other names: c.1031-9G>T (NM_001142498.2); c.1007-9G>T (NM_001314049.2); c.1916-9G>T (NM_012238.4).
Identifiers: ClinVar variation 2157235 (VCV002157235.6), dbSNP rs199626380, ClinGen allele CA5521375.

ClinVar aggregate classification (germline): Benign. Review status: criteria provided, single submitter (1 of 4 stars). 2 submissions from 2 submitters: Benign (1). 1 of the submissions does not count toward it. Last evaluated 2025-08-10.

Conditions:
SIRT1-related disorder. Also called: SIRT1-related condition.

Allele frequency attached by ClinVar (database versions not stated): ESP Exome Variant Server 0.00008; gnomAD 0.00018.
gnomAD v4.1: 282 of 1,590,522 alleles (0.018%); highest among the groups gnomAD compares: Middle Eastern, 0.23%; no homozygotes.

Submissions (2):

Labcorp Genetics (formerly Invitae), Labcorp
Classification: Benign. Last evaluated: 2025-08-10. Review status: criteria provided, single submitter. Criteria: Invitae Variant Classification Sherloc (09022015). Collection method: clinical testing. Allele origin: germline.

PreventionGenetics, part of Exact Sciences
Classification: Likely benign for SIRT1-related condition. Last evaluated: 2019-02-21. Review status: no assertion criteria provided. Collection method: clinical testing. Allele origin: germline. Not counted in ClinVar's aggregate classification.
Comment: This variant is classified as likely benign based on ACMG/AMP sequence variant interpretation guidelines (Richards et al. 2015 PMID: 25741868, with internal and published modifications).